The following is an entry in ClinVar:

ClinVar aggregate classification (germline): Likely benign (0 of 4 stars; one submission).

Conditions:
TARS1-related disorder. Also called: TARS1-related condition.

Submission:

PreventionGenetics, part of Exact Sciences
Classification: Likely benign for TARS1-related condition. Last evaluated: 2019-11-25. Review status: no assertion criteria provided. Collection method: clinical testing. Allele origin: germline.
Comment: This variant is classified as likely benign based on ACMG/AMP sequence variant interpretation guidelines (Richards et al. 2015 PMID: 25741868, with internal and published modifications).

NM_152295.5(TARS1):c.330-4dup

Gene: TARS1 (threonyl-tRNA synthetase 1; plus strand). Cytogenetic location: 5p13.3.
Variant type: Duplication.
Coding change: c.330-4dup on transcript NM_152295.5 (MANE Select); 4 bases into the intron before coding-DNA position 330, one base duplicated (T; older notation c.330-4dupT).
Molecular consequence: intron variant.
Genome position (GRCh38, 1-based): chr5:33,453,285, T duplicated; the last of 22 consecutive T bases (chr5:33,453,264-33,453,285); duplicating any one gives the same sequence. VCF-style (leftmost placement, unchanged base first): chr5-33453263-C-CT. GRCh37 (hg19) VCF-style: chr5-33453368-C-CT.
Other names: c.330-4dup (NM_001258437.1); c.429-4dup (NM_001258438.2).
Identifiers: ClinVar variation 3037640 (VCV003037640.2), dbSNP rs35931457, ClinGen allele CA3222993.